The following is an entry in ClinVar:

ClinVar aggregate classification (germline): Pathogenic/Likely pathogenic. Review status: criteria provided, multiple submitters, no conflicts (2 of 4 stars). 6 submissions from 6 submitters: Pathogenic (4); Likely pathogenic (1). 1 of the submissions does not count toward it. Last evaluated 2024-06-11.

Conditions:
TYR-related disorder. Also called: TYR-related condition.
Oculocutaneous albinism type 1A (OCA1A). Also called: Albinism, oculocutaneous, type IA. Identifiers: Orphanet 352731, Orphanet 79431, MedGen C4551504, MONDO:0008745, OMIM 203100. Disease mechanism: loss of function.
SKIN/HAIR/EYE PIGMENTATION 3, LIGHT/DARK SKIN (SHEP3). Also called: EYE COLOR 1; EYE COLOR, GREEN/BLUE; SKIN/HAIR/EYE PIGMENTATION 3, BLUE/GREEN EYE COLOR; SKIN/HAIR/EYE PIGMENTATION 3, FRECKLING; SKIN/HAIR/EYE PIGMENTATION, VARIATION IN, 3. Identifiers: MedGen C2677190, OMIM 601800.

Allele frequency attached by ClinVar (database versions not stated): gnomAD exomes 0.00001.
gnomAD v4.1: 10 of 1,614,074 alleles (0.00062%); highest among the groups gnomAD compares: Non-Finnish European, 0.00085%; no homozygotes.

Submissions (6):

Blueprint Genetics
Classification: Pathogenic for TYR-related disorders. Last evaluated: 2024-06-11. Review status: criteria provided, single submitter. Criteria: ACMG Guidelines, 2015. Collection method: clinical testing. Allele origin: germline. Affected: yes. Observed: 5 variant alleles.

Labcorp Genetics (formerly Invitae), Labcorp
Classification: Pathogenic. Last evaluated: 2024-01-28. Review status: criteria provided, single submitter. Criteria: Invitae Variant Classification Sherloc (09022015). Collection method: clinical testing. Allele origin: germline.
Comment: This sequence change replaces glycine, which is neutral and non-polar, with arginine, which is basic and polar, at codon 253 of the TYR protein (p.Gly253Arg). This variant is not present in population databases (gnomAD no frequency). This missense change has been observed in individual(s) with clinical features of oculocutaneous albinism (PMID: 9259202, 19626598, 34838614; Invitae). In at least one individual the data is consistent with being in trans (on the opposite chromosome) from a pathogenic variant. ClinVar contains an entry for this variant (Variation ID: 99579). Advanced modeling of protein sequence and biophysical properties (such as structural, functional, and spatial information, amino acid conservation, physicochemical variation, residue mobility, and thermodynamic stability) performed at Invitae indicates that this missense variant is expected to disrupt TYR protein function with a positive predictive value of 80%. For these reasons, this variant has been classified as Pathogenic.

Baylor Genetics
Classification: Pathogenic for SKIN/HAIR/EYE PIGMENTATION 3, LIGHT/DARK SKIN. Last evaluated: 2023-11-23. Review status: criteria provided, single submitter. Criteria: ACMG Guidelines, 2015. Collection method: clinical testing. Allele origin: unknown.

CeGaT Center for Human Genetics Tuebingen
Classification: Pathogenic. Last evaluated: 2023-07-01. Review status: criteria provided, single submitter. Criteria: CeGaT Center For Human Genetics Tuebingen Variant Classification Criteria Version 2. Collection method: clinical testing. Allele origin: germline. Affected: yes. Observed: 3 variant alleles.
Comment: TYR: PM3:Strong, PM2, PM5, PP4:Moderate

Genome-Nilou Lab
Classification: Likely pathogenic for Oculocutaneous albinism type 1A. Last evaluated: 2021-07-22. Review status: criteria provided, single submitter. Criteria: ACMG Guidelines, 2015. Collection method: clinical testing. Allele origin: germline. Affected: no.

Retina International
No classification provided. Review status: no classification provided. Collection method: not provided. Allele origin: not provided. Not counted in ClinVar's aggregate classification.

Literature cited by the submitters: PubMed 9259202 (cited by Labcorp Genetics (formerly Invitae), Labcorp); PubMed 19626598 (cited by Labcorp Genetics (formerly Invitae), Labcorp); PubMed 34838614 (cited by Labcorp Genetics (formerly Invitae), Labcorp).

NM_000372.5(TYR):c.757G>A (p.Gly253Arg)

Gene: TYR (tyrosinase; plus strand). Cytogenetic location: 11q14.3.
Variant type: single nucleotide variant.
Coding change: c.757G>A on transcript NM_000372.5 (MANE Select); coding-DNA position 757, G replaced by A.
Protein change: p.Gly253Arg; replaces glycine 253 with arginine.
Molecular consequence: missense variant.
Genome position (GRCh38, 1-based): chr11:89,178,710, G>A. VCF-style: chr11-89178710-G-A. GRCh37 (hg19) VCF-style: chr11-88911878-G-A.
Other names: short protein forms G253R.
Identifiers: ClinVar variation 99579 (VCV000099579.49), dbSNP rs61754369, ClinGen allele CA227587.